The following is an entry in ClinVar:

ClinVar aggregate classification (germline): Uncertain significance (1 of 4 stars; one submission).

Allele frequency attached by ClinVar (database versions not stated): TOPMed below 0.00001.

Submission:

Labcorp Genetics (formerly Invitae), Labcorp
Classification: Uncertain significance. Last evaluated: 2023-11-18. Review status: criteria provided, single submitter. Criteria: Invitae Variant Classification Sherloc (09022015). Collection method: clinical testing. Allele origin: germline.
Comment: This sequence change replaces proline, which is neutral and non-polar, with alanine, which is neutral and non-polar, at codon 526 of the DDX58 protein (p.Pro526Ala). This variant is not present in population databases (gnomAD no frequency). This variant has not been reported in the literature in individuals affected with DDX58-related conditions. Advanced modeling of protein sequence and biophysical properties (such as structural, functional, and spatial information, amino acid conservation, physicochemical variation, residue mobility, and thermodynamic stability) performed at Invitae indicates that this missense variant is not expected to disrupt DDX58 protein function with a negative predictive value of 80%. In summary, the available evidence is currently insufficient to determine the role of this variant in disease. Therefore, it has been classified as a Variant of Uncertain Significance.

NM_014314.4(RIGI):c.1576C>G (p.Pro526Ala)

Gene: RIGI (RNA sensor RIG-I; minus strand). Cytogenetic location: 9p21.1.
Variant type: single nucleotide variant.
Coding change: c.1576C>G on transcript NM_014314.4 (MANE Select); coding-DNA position 1576, C replaced by G.
Protein change: p.Pro526Ala; replaces proline 526 with alanine.
Molecular consequence: missense variant.
Genome position (GRCh38, 1-based): chr9:32,481,402, G>C on the plus strand (C>G on the coding strand, the complement: RIGI is on the minus strand). VCF-style: chr9-32481402-G-C. GRCh37 (hg19) VCF-style: chr9-32481400-G-C.
Other names: c.1570C>G, p.Pro524Ala (NM_001385907.1); c.1576C>G, p.Pro526Ala (NM_001385909.1); c.1135C>G, p.Pro379Ala (NM_001385910.1); c.967C>G, p.Pro323Ala (NM_001385912.1); c.1561C>G, p.Pro521Ala (NM_001385913.1); c.1132C>G, p.Pro378Ala (NM_001385914.1); short protein forms P323A, P526A, P378A, P379A, P521A, P524A.
Identifiers: ClinVar variation 3005598 (VCV003005598.3), dbSNP rs1823763567, ClinGen allele CA373152760.
Genomic context (GRCh38, chr9:32,481,402, plus strand): 5'-GCAAATGTGAAGTGTATAAAAACAGGGCTTTACAAATCCTGCTCTCTTCATCTTTGTCTG[G>C]CATCTGGAACACCATGCATGCTTTCTGAACTGTAACAATCCATTGTTCATATTTCTGTGT-3'
Protein context (NP_055129.2, residues 516-536): VQKACMVFQM[Pro526Ala]DKDEESRICK